The following is an entry in ClinVar:

ClinVar aggregate classification (germline): Uncertain significance (1 of 4 stars; one submission).

Allele frequency attached by ClinVar (database versions not stated): gnomAD exomes below 0.00001; TOPMed below 0.00001.
gnomAD v4.1: 2 of 1,611,900 alleles (0.00012%); highest among the groups gnomAD compares: Non-Finnish European, 0.000085%; no homozygotes.

Submission:

Labcorp Genetics (formerly Invitae), Labcorp
Classification: Uncertain significance. Last evaluated: 2022-08-09. Review status: criteria provided, single submitter. Criteria: Invitae Variant Classification Sherloc (09022015). Collection method: clinical testing. Allele origin: germline.
Comment: This variant has not been reported in the literature in individuals affected with CCDC88A-related conditions. ClinVar contains an entry for this variant (Variation ID: 1392865). Algorithms developed to predict the effect of missense changes on protein structure and function are either unavailable or do not agree on the potential impact of this missense change (SIFT: "Tolerated"; PolyPhen-2: "Probably Damaging"; Align-GVGD: "Class C0"). This variant is not present in population databases (gnomAD no frequency). This sequence change replaces glutamine, which is neutral and polar, with proline, which is neutral and non-polar, at codon 273 of the CCDC88A protein (p.Gln273Pro). In summary, the available evidence is currently insufficient to determine the role of this variant in disease. Therefore, it has been classified as a Variant of Uncertain Significance.

NM_001365480.1(CCDC88A):c.818A>C (p.Gln273Pro)

Gene: CCDC88A (coiled-coil and HOOK domain protein 88A; minus strand). Cytogenetic location: 2p16.1.
Variant type: single nucleotide variant.
Coding change: c.818A>C on transcript NM_001365480.1 (MANE Select); coding-DNA position 818, A replaced by C.
Protein change: p.Gln273Pro; replaces glutamine 273 with proline.
Molecular consequence: missense variant.
Genome position (GRCh38, 1-based): chr2:55,349,582, T>G on the plus strand (A>C on the coding strand, the complement: CCDC88A is on the minus strand). VCF-style: chr2-55349582-T-G. GRCh37 (hg19) VCF-style: chr2-55576718-T-G.
Other names: c.818A>C, p.Gln273Pro (NM_001135597.2, NM_001254943.2, NM_018084.5); short protein forms Q273P.
Identifiers: ClinVar variation 1392865 (VCV001392865.6), dbSNP rs1458774245, ClinGen allele CA346908770.
Genomic context (GRCh38, chr2:55,349,582, plus strand): 5'-TGTTGCAGCCTTTTGAGTTCTATTTCCATTTGCTCAAGTTCTTGTTTACAATCCAACAAC[T>G]GCTCAGTCTTTTCCTCCCTTAAATGCAAAAATATATTCATTAAGTATACTATTTTTGAAA-3'
Protein context (NP_001352409.1, residues 263-283): LRQELEEKTE[Gln273Pro]LLDCKQELEQ